The following is an entry in ClinVar:

NM_001376.5(DYNC1H1):c.2813T>C (p.Met938Thr)

Gene: DYNC1H1 (dynein cytoplasmic 1 heavy chain 1; plus strand). Cytogenetic location: 14q32.31.
Variant type: single nucleotide variant.
Coding change: c.2813T>C on transcript NM_001376.5 (MANE Select); coding-DNA position 2813, T replaced by C.
Protein change: p.Met938Thr; replaces methionine 938 with threonine.
Molecular consequence: missense variant.
Genome position (GRCh38, 1-based): chr14:101,988,797, T>C. VCF-style: chr14-101988797-T-C. GRCh37 (hg19) VCF-style: chr14-102455134-T-C.
Other names: short protein forms M938T.
Identifiers: ClinVar variation 2078863 (VCV002078863.4), dbSNP rs2047964248, ClinGen allele CA391028807.

ClinVar aggregate classification (germline): Uncertain significance (1 of 4 stars; one submission).

Conditions:
Charcot-Marie-Tooth disease axonal type 2O. Also called: CHARCOT-MARIE-TOOTH NEUROPATHY, AXONAL, TYPE 2O; CHARCOT-MARIE-TOOTH DISEASE, AXONAL, AUTOSOMAL DOMINANT, TYPE 2O; Charcot-Marie-Tooth disease, axonal, type 20; Charcot-Marie-Tooth Neuropathy Type 2O. Identifiers: Orphanet 284232, MedGen C3280220, MONDO:0013644, OMIM 614228.

Allele frequency attached by ClinVar (database versions not stated): TOPMed below 0.00001.

Submission:

Labcorp Genetics (formerly Invitae), Labcorp
Classification: Uncertain significance for Charcot-Marie-Tooth disease axonal type 2O. Last evaluated: 2022-10-25. Review status: criteria provided, single submitter. Criteria: Invitae Variant Classification Sherloc (09022015). Collection method: clinical testing. Allele origin: germline.
Comment: In summary, the available evidence is currently insufficient to determine the role of this variant in disease. Therefore, it has been classified as a Variant of Uncertain Significance. Advanced modeling of protein sequence and biophysical properties (such as structural, functional, and spatial information, amino acid conservation, physicochemical variation, residue mobility, and thermodynamic stability) performed at Invitae indicates that this missense variant is not expected to disrupt DYNC1H1 protein function. This variant has not been reported in the literature in individuals affected with DYNC1H1-related conditions. This variant is not present in population databases (gnomAD no frequency). This sequence change replaces methionine, which is neutral and non-polar, with threonine, which is neutral and polar, at codon 938 of the DYNC1H1 protein (p.Met938Thr).